The following is an entry in ClinVar:

ClinVar aggregate classification (germline): Likely pathogenic (1 of 4 stars; one submission).

Conditions:
Miyoshi muscular dystrophy 1 (MMD1). Identifiers: Orphanet 45448, MedGen C4551973, MONDO:0024545, OMIM 254130.

Submission:

Neuberg Centre For Genomic Medicine, NCGM
Classification: Likely pathogenic for Miyoshi muscular dystrophy 1. Review status: criteria provided, single submitter. Criteria: ACMG Guidelines, 2015. Collection method: clinical testing. Allele origin: germline. Inheritance: Autosomal recessive inheritance. Affected: yes.
Comment: This variant causes a frameshift starting with codon Arginine 1058, changes this amino acid to Leucine residue, and creates a premature Stop codon at position 72 of the new reading frame, denoted p.Arg1058LeufsTer72. This variant is novel (not in any individuals) in gnomAD Exomes and is novel (not in any individuals) in 1000 Genomes. For these reasons, this variant has been classified as Likely Pathogenic.

NM_001130987.2(DYSF):c.3173_3177del (p.Arg1058fs)

Gene: DYSF (dysferlin; plus strand). Cytogenetic location: 2p13.2.
Variant type: Deletion.
Coding change: c.3173_3177del on transcript NM_001130987.2 (MANE Select); coding-DNA positions 3173 to 3177, 5 bases deleted (GGCGC; older notation c.3173_3177delGGCGC).
Protein change: p.Arg1058fs; shifts the reading frame from arginine 1058.
Molecular consequence: frameshift variant.
Genome position (GRCh38, 1-based): chr2:71,570,686-71,570,690, GGCGC deleted; deleting any 5 consecutive bases within chr2:71,570,684-71,570,690 gives the same sequence; the c. name uses the placement nearest the transcript's 3' end. VCF-style (leftmost placement, unchanged base first): chr2-71570683-GGCGGC-G. GRCh37 (hg19) VCF-style: chr2-71797813-GGCGGC-G.
Other names: c.3170_3174del, p.Arg1057fs (NM_001130980.2, NM_001130981.2); c.3215_3219del, p.Arg1072fs (NM_001130982.2); c.3122_3126del, p.Arg1041fs (NM_001130983.2, NM_001130455.2); c.3080_3084del, p.Arg1027fs (NM_001130984.2, NM_001130986.2); c.3173_3177del, p.Arg1058fs (NM_001130985.2); c.3119_3123del, p.Arg1040fs (NM_003494.4, NM_001130978.2); c.3077_3081del, p.Arg1026fs (NM_001130976.2, NM_001130977.2); c.3212_3216del, p.Arg1071fs (NM_001130979.2); short protein forms R1027fs, R1040fs, R1041fs, R1058fs, R1072fs, R1026fs, R1057fs, R1071fs.
Identifiers: ClinVar variation 2585206 (VCV002585206.1), dbSNP rs2545824104, ClinGen allele CA2582342406.